The following is an entry in ClinVar:

NM_000404.4(GLB1):c.517C>T (p.Leu173Phe)

Gene: GLB1 (galactosidase beta 1; minus strand). Cytogenetic location: 3p22.3.
Variant type: single nucleotide variant.
Coding change: c.517C>T on transcript NM_000404.4 (MANE Select); coding-DNA position 517, C replaced by T.
Protein change: p.Leu173Phe; replaces leucine 173 with phenylalanine.
Molecular consequence: missense variant.
Genome position (GRCh38, 1-based): chr3:33,065,498, G>A on the plus strand (C>T on the coding strand, the complement: GLB1 is on the minus strand). VCF-style: chr3-33065498-G-A. GRCh37 (hg19) VCF-style: chr3-33106990-G-A.
Other names: c.427C>T, p.Leu143Phe (NM_001079811.3); c.305C>T, p.Pro102Leu (NM_001135602.3); c.661C>T, p.Leu221Phe (NM_001317040.2); c.517C>T, p.Leu173Phe (NM_001393580.1); short protein forms L173F, L221F, L143F, P102L.
Identifiers: ClinVar variation 2931731 (VCV002931731.3), dbSNP rs1303774639, ClinGen allele CA351992105.

ClinVar aggregate classification (germline): Likely pathogenic (1 of 4 stars; one submission).

Conditions:
Mucopolysaccharidosis, MPS-IV-B (MPS4B). Also called: Mucopolysaccharidosis type 4B; Mucopolysaccharidosis type IVB (Morquio); MPS IVB; MORQUIO SYNDROME B; Mucopolysaccharidosis type IV B; Mucopolysaccharidosis Type IVB. Identifiers: Orphanet 309310, Orphanet 582, MedGen C0086652, MONDO:0009660, OMIM 253010.
GM1 gangliosidosis. Identifiers: Orphanet 354, MedGen C0085131, MONDO:0018149.

gnomAD v4.1: 1 of 1,586,882 alleles (0.000063%); highest among the groups gnomAD compares: South Asian, 0.0011%; no homozygotes.

Submission:

Labcorp Genetics (formerly Invitae), Labcorp
Classification: Likely pathogenic for Mucopolysaccharidosis, MPS-IV-B; GM1 gangliosidosis. Last evaluated: 2022-11-29. Review status: criteria provided, single submitter. Criteria: Invitae Variant Classification Sherloc (09022015). Collection method: clinical testing. Allele origin: germline.
Comment: This sequence change replaces leucine, which is neutral and non-polar, with phenylalanine, which is neutral and non-polar, at codon 173 of the GLB1 protein (p.Leu173Phe). This variant is not present in population databases (gnomAD no frequency). This variant has not been reported in the literature in individuals affected with GLB1-related conditions. Advanced modeling of protein sequence and biophysical properties (such as structural, functional, and spatial information, amino acid conservation, physicochemical variation, residue mobility, and thermodynamic stability) performed at Invitae indicates that this missense variant is expected to disrupt GLB1 protein function. This variant disrupts the p.Leu173 amino acid residue in GLB1. Other variant(s) that disrupt this residue have been determined to be pathogenic (PMID: 16941474, 17664528). This suggests that this residue is clinically significant, and that variants that disrupt this residue are likely to be disease-causing. In summary, the currently available evidence indicates that the variant is pathogenic, but additional data are needed to prove that conclusively. Therefore, this variant has been classified as Likely Pathogenic.

Literature cited by the submitters: PubMed 16941474; PubMed 17664528.